The following is an entry in ClinVar:

NM_022489.4(INF2):c.2776-5T>C

Gene: INF2 (inverted formin 2; plus strand). Cytogenetic location: 14q32.33.
Variant type: single nucleotide variant.
Coding change: c.2776-5T>C on transcript NM_022489.4 (MANE Select); 5 bases into the intron before coding-DNA position 2776, T replaced by C.
Molecular consequence: intron variant.
Genome position (GRCh38, 1-based): chr14:104,713,202, T>C. VCF-style: chr14-104713202-T-C. GRCh37 (hg19) VCF-style: chr14-105179539-T-C.
Other names: c.2776-5T>C (NM_001031714.4).
Identifiers: ClinVar variation 1128266 (VCV001128266.9), dbSNP rs1442200771, ClinGen allele CA616584785.

ClinVar aggregate classification (germline): Conflicting classifications of pathogenicity. Review status: criteria provided, conflicting classifications (1 of 4 stars). 2 submissions from 2 submitters: Uncertain significance (1); Likely benign (1). Last evaluated 2024-11-17.

Conditions:
Inborn genetic diseases. Identifiers: MedGen C0950123, MeSH D030342.
Charcot-Marie-Tooth disease dominant intermediate E. Also called: CHARCOT-MARIE-TOOTH NEUROPATHY WITH FOCAL SEGMENTAL GLOMERULONEPHRITIS. Identifiers: Orphanet 93114, MedGen C4302667, MONDO:0013758, OMIM 614455.
Focal segmental glomerulosclerosis 5 (FSGS5). Identifiers: Orphanet 656, MedGen C2750475, MONDO:0013191, OMIM 613237.

Allele frequency attached by ClinVar (database versions not stated): gnomAD 0.00001; gnomAD exomes 0.00001.

Submissions (2):

Labcorp Genetics (formerly Invitae), Labcorp
Classification: Likely benign for Charcot-Marie-Tooth disease dominant intermediate E; Focal segmental glomerulosclerosis 5. Last evaluated: 2024-11-17. Review status: criteria provided, single submitter. Criteria: Invitae Variant Classification Sherloc (09022015). Collection method: clinical testing. Allele origin: germline.

Ambry Genetics
Classification: Uncertain significance for Inborn genetic diseases. Last evaluated: 2022-05-02. Review status: criteria provided, single submitter. Criteria: Ambry Variant Classification Scheme 2023. Collection method: clinical testing. Allele origin: germline.
Comment: The c.2776-5T>C intronic variant results from a T to C substitution 5 nucleotides upstream from coding exon 18 in the INF2 gene. This nucleotide position is not well conserved in available vertebrate species. In silico splice site analysis predicts that this alteration will not have any significant effect on splicing. Since supporting evidence is limited at this time, the clinical significance of this alteration remains unclear.